The following is an entry in ClinVar:

ClinVar aggregate classification (germline): Benign. Review status: criteria provided, multiple submitters, no conflicts (2 of 4 stars). 2 submissions from 2 submitters: Benign (2). Last evaluated 2018-01-13.

Conditions:
Microcytic anemia with liver iron overload. Also called: Anemia, hypochromic microcytic, with iron overload 1. Identifiers: Orphanet 83642, MedGen C3806153, MONDO:0008787, OMIM 206100.

Allele frequency attached by ClinVar (database versions not stated): gnomAD exomes 0.56994 and 0.54264; gnomAD 0.52526 and 0.53019; ExAC 0.42536; 1000 Genomes Project 0.43810; 1000 Genomes Project 30x 0.44675; TOPMed 0.52192.
gnomAD v4.1: 723,806 of 1,283,976 alleles (56%); highest among the groups gnomAD compares: Admixed American, 66%; 208,786 homozygotes.

Submissions (2):

Illumina Laboratory Services, Illumina
Classification: Benign for Microcytic anemia with liver iron overload. Last evaluated: 2018-01-13. Review status: criteria provided, single submitter. Criteria: ICSL Variant Classification Criteria 13 December 2019. Collection method: clinical testing. Allele origin: germline.
Comment: This variant was observed in the ICSL laboratory as part of a predisposition screen in an ostensibly healthy population. It had not been previously curated by ICSL or reported in the Human Gene Mutation Database (HGMD: prior to June 1st, 2018), and was therefore a candidate for classification through an automated scoring system. Utilizing variant allele frequency, disease prevalence and penetrance estimates, and inheritance mode, an automated score was calculated to assess if this variant is too frequent to cause the disease. Based on the score and internal cut-off values, a variant classified as benign is not then subjected to further curation. The score for this variant resulted in a classification of benign for this disease.

Breakthrough Genomics
Classification: Benign. Review status: criteria provided, single submitter. Criteria: ACMG Guidelines, 2015. Collection method: not provided. Allele origin: germline. Inheritance: Autosomal recessive inheritance. Affected: yes.

NM_000617.3(SLC11A2):c.*1876T>C

Gene: SLC11A2 (solute carrier family 11 member 2; minus strand). Cytogenetic location: 12q13.12.
Variant type: single nucleotide variant.
Coding change: c.*1876T>C on transcript NM_000617.3 (MANE Select); 1876 bases downstream of the stop codon, T replaced by C.
Molecular consequence: 3 prime UTR variant. On other transcripts: non-coding transcript variant (4), intron variant (8).
Genome position (GRCh38, 1-based): chr12:50,986,449, A>G on the plus strand (T>C on the coding strand, the complement: SLC11A2 is on the minus strand). VCF-style: chr12-50986449-A-G. GRCh37 (hg19) VCF-style: chr12-51380232-A-G.
Other names: c.*1876T>C (NM_001174125.2, NM_001174128.2, NM_001174129.2 and 6 more transcripts); c.1716+1933T>C (NM_001379446.1); c.1518+1933T>C (NM_001414747.1); c.1629+1933T>C (NM_001174127.2, NM_001174126.2, NM_001379447.2); c.*25+1851T>C (NM_001414744.1, NM_001414746.1); c.1617+1933T>C (NM_001379448.1).
Identifiers: ClinVar variation 309281 (VCV000309281.6), dbSNP rs149411, ClinGen allele CA6566332.
Genomic context (GRCh38, chr12:50,986,449, plus strand): 5'-CATAATATTATAAAATGCCATTTAATTGGAAGGAGTTTTCTATCATTGCAAGTCATAAAT[A>G]TAACTTTTAAAAGAATACTAGCAGCTTTTACCTAGGCTCCTAAATGCTTGTAAATCTGAG-3'